The following is an entry in ClinVar:

ClinVar aggregate classification (germline): Uncertain significance (1 of 4 stars; one submission).

Submission:

GeneDx
Classification: Uncertain significance. Last evaluated: 2024-02-23. Review status: criteria provided, single submitter. Criteria: GeneDx Variant Classification Process June 2021. Collection method: clinical testing. Allele origin: germline. Affected: yes.
Comment: Canonical splice site variant in a gene or region of a gene for which loss of function is not a well-established mechanism of disease; Not observed at significant frequency in large population cohorts (gnomAD); Has not been previously published as pathogenic or benign to our knowledge

NM_014847.4(UBAP2L):c.-40-2A>G

Gene: UBAP2L (ubiquitin associated protein 2 like; plus strand). Cytogenetic location: 1q21.3.
Variant type: single nucleotide variant.
Coding change: c.-40-2A>G on transcript NM_014847.4 (MANE Select); the canonical splice acceptor site of the intron before 40 bases upstream of the start codon, A replaced by G.
Molecular consequence: splice acceptor variant.
Genome position (GRCh38, 1-based): chr1:154,225,082, A>G. VCF-style: chr1-154225082-A-G. GRCh37 (hg19) VCF-style: chr1-154197558-A-G.
Other names: c.-40-2A>G (NM_001127320.3, NM_001330730.1, NM_001287816.1 and 20 more transcripts).
Identifiers: ClinVar variation 3369470 (VCV003369470.1).